The following is an entry in ClinVar:

ClinVar aggregate classification (germline): Uncertain significance (1 of 4 stars; one submission).

Conditions:
Hermansky-Pudlak syndrome 2 (HPS2). Also called: Platelet defects and oculocutaneous albinism. Identifiers: Orphanet 183678, Orphanet 79430, MedGen C1842362, MONDO:0011997, OMIM 608233.

Allele frequency attached by ClinVar (database versions not stated): TOPMed 0.00002.
gnomAD v4.1: 3 of 1,613,064 alleles (0.00019%); highest among the groups gnomAD compares: East Asian, 0.0067%; no homozygotes.

Submission:

Labcorp Genetics (formerly Invitae), Labcorp
Classification: Uncertain significance for Hermansky-Pudlak syndrome 2. Last evaluated: 2022-09-01. Review status: criteria provided, single submitter. Criteria: Invitae Variant Classification Sherloc (09022015). Collection method: clinical testing. Allele origin: germline.
Comment: ClinVar contains an entry for this variant (Variation ID: 1005866). This sequence change replaces valine, which is neutral and non-polar, with leucine, which is neutral and non-polar, at codon 651 of the AP3B1 protein (p.Val651Leu). This variant is present in population databases (rs755219130, gnomAD 0.02%). This variant has not been reported in the literature in individuals affected with AP3B1-related conditions. Algorithms developed to predict the effect of missense changes on protein structure and function (SIFT, PolyPhen-2, Align-GVGD) all suggest that this variant is likely to be tolerated. In summary, the available evidence is currently insufficient to determine the role of this variant in disease. Therefore, it has been classified as a Variant of Uncertain Significance.

NM_003664.5(AP3B1):c.1951G>C (p.Val651Leu)

Gene: AP3B1 (adaptor related protein complex 3 subunit beta 1; minus strand). Cytogenetic location: 5q14.1.
Variant type: single nucleotide variant.
Coding change: c.1951G>C on transcript NM_003664.5 (MANE Select); coding-DNA position 1951, G replaced by C.
Protein change: p.Val651Leu; replaces valine 651 with leucine.
Molecular consequence: missense variant.
Genome position (GRCh38, 1-based): chr5:78,128,047, C>G on the plus strand (G>C on the coding strand, the complement: AP3B1 is on the minus strand). VCF-style: chr5-78128047-C-G. GRCh37 (hg19) VCF-style: chr5-77423871-C-G.
Other names: c.1804G>C, p.Val602Leu (NM_001271769.2); short protein forms V602L, V651L.
Identifiers: ClinVar variation 1005866 (VCV001005866.8), dbSNP rs755219130, ClinGen allele CA3316916.